The following is an entry in ClinVar:

NM_001008216.2(GALE):c.700del (p.Asp234fs)

Gene: GALE (UDP-galactose-4-epimerase; minus strand). Cytogenetic location: 1p36.11.
Variant type: Deletion.
Coding change: c.700del on transcript NM_001008216.2 (MANE Select); coding-DNA position 700, one base deleted (G; older notation c.700delG).
Protein change: p.Asp234fs; shifts the reading frame from aspartic acid 234.
Molecular consequence: frameshift variant.
Genome position (GRCh38, 1-based): chr1:23,796,885, C deleted on the plus strand (G on the coding strand, the reverse complement: GALE is on the minus strand); the first of 2 consecutive C bases (chr1:23,796,885-23,796,886); deleting either gives the same sequence. VCF-style (leftmost placement, unchanged base first): chr1-23796884-TC-T. GRCh37 (hg19) VCF-style: chr1-24123374-TC-T.
Other names: c.700del, p.Asp234fs (NM_000403.4, NM_001127621.2); short protein forms D234fs.
Identifiers: ClinVar variation 2749215 (VCV002749215.3), dbSNP rs2521288550, ClinGen allele CA2697552274.

ClinVar aggregate classification (germline): Pathogenic (1 of 4 stars; one submission).

Conditions:
UDPglucose-4-epimerase deficiency. Also called: UDPglucose 4-Epimerase Deficiency Disease; Epimerase Deficiency Galactosemia; GALACTOSEMIA III; GALE DEFICIENCY; UDP-GALACTOSE-4-EPIMERASE DEFICIENCY; Galactose epimerase deficiency. Identifiers: Orphanet 352, Orphanet 79238, MedGen C0751161, MONDO:0009257, OMIM 230350.

Submission:

Labcorp Genetics (formerly Invitae), Labcorp
Classification: Pathogenic for UDPglucose-4-epimerase deficiency. Last evaluated: 2023-08-08. Review status: criteria provided, single submitter. Criteria: Invitae Variant Classification Sherloc (09022015). Collection method: clinical testing. Allele origin: germline.
Comment: This variant has not been reported in the literature in individuals affected with GALE-related conditions. This variant is not present in population databases (gnomAD no frequency). This sequence change creates a premature translational stop signal (p.Asp234Metfs*22) in the GALE gene. It is expected to result in an absent or disrupted protein product. Loss-of-function variants in GALE are known to be pathogenic (PMID: 16301867). For these reasons, this variant has been classified as Pathogenic.

Literature cited by the submitters: PubMed 16301867.